The following is an entry in ClinVar:

NM_017654.4(SAMD9):c.3449T>C (p.Ile1150Thr)

Gene: SAMD9 (sterile alpha motif domain containing 9; minus strand). Cytogenetic location: 7q21.2.
Variant type: single nucleotide variant.
Coding change: c.3449T>C on transcript NM_017654.4 (MANE Select); coding-DNA position 3449, T replaced by C.
Protein change: p.Ile1150Thr; replaces isoleucine 1150 with threonine.
Molecular consequence: missense variant.
Genome position (GRCh38, 1-based): chr7:93,102,649, A>G on the plus strand (T>C on the coding strand, the complement: SAMD9 is on the minus strand). VCF-style: chr7-93102649-A-G. GRCh37 (hg19) VCF-style: chr7-92731962-A-G.
Other names: c.3449T>C, p.Ile1150Thr (NM_001193307.2); short protein forms I1150T.
Identifiers: ClinVar variation 1695707 (VCV001695707.11), dbSNP rs750579288, ClinGen allele CA4342696.

ClinVar aggregate classification (germline): Conflicting classifications of pathogenicity. Review status: criteria provided, conflicting classifications (1 of 4 stars). 3 submissions from 3 submitters: Uncertain significance (2); Likely benign (1). Last evaluated 2025-10-23.

Conditions:
Inborn genetic diseases. Identifiers: MedGen C0950123, MeSH D030342.

Allele frequency attached by ClinVar (database versions not stated): ExAC 0.00001; gnomAD exomes 0.00001 and 0.00005; gnomAD 0.00003 and 0.00004; TOPMed 0.00003.
gnomAD v4.1: 74 of 1,613,786 alleles (0.0046%); highest among the groups gnomAD compares: Non-Finnish European, 0.006%; no homozygotes.

Submissions (3):

Ambry Genetics
Classification: Likely benign for Inborn genetic diseases. Last evaluated: 2025-10-23. Review status: criteria provided, single submitter. Criteria: Ambry Variant Classification Scheme 2023. Collection method: clinical testing. Allele origin: germline.

GeneDx
Classification: Uncertain significance. Last evaluated: 2025-02-23. Review status: criteria provided, single submitter. Criteria: GeneDx Variant Classification Process June 2021. Collection method: clinical testing. Allele origin: germline. Affected: yes.
Comment: Not observed at significant frequency in large population cohorts (gnomAD); In silico analysis indicates that this missense variant does not alter protein structure/function; Has not been previously published as pathogenic or benign to our knowledge; This variant is associated with the following publications: (PMID: 28545555)

Labcorp Genetics (formerly Invitae), Labcorp
Classification: Uncertain significance. Last evaluated: 2024-04-04. Review status: criteria provided, single submitter. Criteria: Invitae Variant Classification Sherloc (09022015). Collection method: clinical testing. Allele origin: germline.
Comment: This sequence change replaces isoleucine, which is neutral and non-polar, with threonine, which is neutral and polar, at codon 1150 of the SAMD9 protein (p.Ile1150Thr). This variant is present in population databases (rs750579288, gnomAD 0.007%). This variant has not been reported in the literature in individuals affected with SAMD9-related conditions. ClinVar contains an entry for this variant (Variation ID: 1695707). Advanced modeling of protein sequence and biophysical properties (such as structural, functional, and spatial information, amino acid conservation, physicochemical variation, residue mobility, and thermodynamic stability) performed at Invitae indicates that this missense variant is not expected to disrupt SAMD9 protein function with a negative predictive value of 95%. In summary, the available evidence is currently insufficient to determine the role of this variant in disease. Therefore, it has been classified as a Variant of Uncertain Significance.